The following is an entry in ClinVar:

ClinVar aggregate classification (germline): Uncertain significance. Review status: criteria provided, multiple submitters, no conflicts (2 of 4 stars). 2 submissions from 2 submitters: Uncertain significance (2). Last evaluated 2025-11-10.

Conditions:
Mosaic variegated aneuploidy syndrome 1 (MVA1). Also called: Warburton-Anyane-Yeboa syndrome. Identifiers: Orphanet 1052, MedGen C1850343, MONDO:0009759, OMIM 257300.
Premature chromatid separation trait (PCS). Also called: TOTAL PREMATURE CHROMATID SEPARATION TRAIT. Identifiers: MedGen C1864389, MONDO:0008304, OMIM 176430.

Allele frequency attached by ClinVar (database versions not stated): gnomAD exomes below 0.00001 and 0.00002; ExAC 0.00001; gnomAD 0.00001 and 0.00002; TOPMed 0.00002; 1000 Genomes Project 30x 0.00016; 1000 Genomes Project 0.00020.

Submissions (2):

Labcorp Genetics (formerly Invitae), Labcorp
Classification: Uncertain significance for Mosaic variegated aneuploidy syndrome 1. Last evaluated: 2025-11-10. Review status: criteria provided, single submitter. Criteria: Invitae Variant Classification Sherloc (09022015). Collection method: clinical testing. Allele origin: germline.
Comment: This sequence change replaces alanine, which is neutral and non-polar, with valine, which is neutral and non-polar, at codon 348 of the BUB1B protein (p.Ala348Val). This variant is present in population databases (rs545784401, gnomAD 0.02%). This variant has not been reported in the literature in individuals affected with BUB1B-related conditions. ClinVar contains an entry for this variant (Variation ID: 997622). An algorithm developed to predict the effect of missense changes on protein structure and function outputs the following: PolyPhen-2: "Benign". The valine amino acid residue is found in multiple mammalian species, which suggests that this missense change does not adversely affect protein function. In summary, the available evidence is currently insufficient to determine the role of this variant in disease. Therefore, it has been classified as a Variant of Uncertain Significance.

Baylor Genetics
Classification: Uncertain significance for Premature chromatid separation trait. Last evaluated: 2020-01-22. Review status: criteria provided, single submitter. Criteria: ACMG Guidelines, 2015. Collection method: clinical testing. Allele origin: unknown. Affected: yes. Study: CSER-TexasKidsCanSeq.
Comment: This variant was determined to be of uncertain significance according to ACMG Guidelines, 2015 [PMID:25741868].

NM_001211.6(BUB1B):c.1043C>T (p.Ala348Val)

Gene: BUB1B (BUB1 mitotic checkpoint serine/threonine kinase B; plus strand). Cytogenetic location: 15q15.1.
Variant type: single nucleotide variant.
Coding change: c.1043C>T on transcript NM_001211.6 (MANE Select); coding-DNA position 1043, C replaced by T.
Protein change: p.Ala348Val; replaces alanine 348 with valine.
Molecular consequence: missense variant.
Genome position (GRCh38, 1-based): chr15:40,185,627, C>T. VCF-style: chr15-40185627-C-T. GRCh37 (hg19) VCF-style: chr15-40477828-C-T.
Other names: short protein forms A348V.
Identifiers: ClinVar variation 997622 (VCV000997622.7), dbSNP rs545784401, ClinGen allele CA7475636.